The following is an entry in ClinVar:

NM_001330588.2(TPP2):c.2000C>T (p.Pro667Leu)

Gene: TPP2 (tripeptidyl peptidase 2; plus strand). Cytogenetic location: 13q33.1.
Variant type: single nucleotide variant.
Coding change: c.2000C>T on transcript NM_001330588.2 (MANE Select); coding-DNA position 2000, C replaced by T.
Protein change: p.Pro667Leu; replaces proline 667 with leucine.
Molecular consequence: missense variant. On other transcripts: non-coding transcript variant (1).
Genome position (GRCh38, 1-based): chr13:102,640,356, C>T. VCF-style: chr13-102640356-C-T. GRCh37 (hg19) VCF-style: chr13-103292706-C-T.
Other names: c.2000C>T, p.Pro667Leu (NM_001367947.1, NM_003291.4); c.2000C>T (NM_003291.2); short protein forms P667L.
Identifiers: ClinVar variation 1446257 (VCV001446257.8), dbSNP rs144871113, ClinGen allele CA7037889.

ClinVar aggregate classification (germline): Uncertain significance. Review status: criteria provided, multiple submitters, no conflicts (2 of 4 stars). 2 submissions from 2 submitters: Uncertain significance (2). Last evaluated 2025-09-05.

Conditions:
Evans syndrome, immunodeficiency, and premature immunosenescence associated with tripeptidyl-peptidase II deficiency. Identifiers: MedGen CN231723. Disease mechanism: loss of function.
Inborn genetic diseases. Identifiers: MedGen C0950123, MeSH D030342.

Allele frequency attached by ClinVar (database versions not stated): gnomAD 0.00002; gnomAD exomes 0.00002 and 0.00004; TOPMed 0.00003; ExAC 0.00004; ESP Exome Variant Server 0.00015.
gnomAD v4.1: 59 of 1,613,332 alleles (0.0037%); highest among the groups gnomAD compares: Non-Finnish European, 0.0046%; no homozygotes.

Submissions (2):

Ambry Genetics
Classification: Uncertain significance for Inborn genetic diseases. Last evaluated: 2025-09-05. Review status: criteria provided, single submitter. Criteria: Ambry Variant Classification Scheme 2023. Collection method: clinical testing. Allele origin: germline.

Labcorp Genetics (formerly Invitae), Labcorp
Classification: Uncertain significance for Evans syndrome, immunodeficiency, and premature immunosenescence associated with tripeptidyl-peptidase II deficiency. Last evaluated: 2022-03-31. Review status: criteria provided, single submitter. Criteria: Invitae Variant Classification Sherloc (09022015). Collection method: clinical testing. Allele origin: germline.
Comment: This sequence change replaces proline, which is neutral and non-polar, with leucine, which is neutral and non-polar, at codon 667 of the TPP2 protein (p.Pro667Leu). This variant is present in population databases (rs144871113, gnomAD 0.02%). This variant has not been reported in the literature in individuals affected with TPP2-related conditions. Algorithms developed to predict the effect of missense changes on protein structure and function (SIFT, PolyPhen-2, Align-GVGD) all suggest that this variant is likely to be disruptive. Algorithms developed to predict the effect of sequence changes on RNA splicing suggest that this variant may disrupt the consensus splice site. In summary, the available evidence is currently insufficient to determine the role of this variant in disease. Therefore, it has been classified as a Variant of Uncertain Significance.